The following is an entry in ClinVar:

NM_000143.4(FH):c.175G>T (p.Glu59Ter)

Gene: FH (fumarate hydratase; minus strand). Cytogenetic location: 1q43.
Variant type: single nucleotide variant.
Coding change: c.175G>T on transcript NM_000143.4 (MANE Select); coding-DNA position 175, G replaced by T.
Protein change: p.Glu59Ter; replaces glutamic acid 59 with a stop codon.
Molecular consequence: nonsense.
Genome position (GRCh38, 1-based): chr1:241,517,274, C>A on the plus strand (G>T on the coding strand, the complement: FH is on the minus strand). VCF-style: chr1-241517274-C-A. GRCh37 (hg19) VCF-style: chr1-241680574-C-A.
Other names: short protein forms E59*.
Identifiers: ClinVar variation 652242 (VCV000652242.10), dbSNP rs1573888513, ClinGen allele CA345441931.

ClinVar aggregate classification (germline): Pathogenic. Review status: criteria provided, multiple submitters, no conflicts (2 of 4 stars). 2 submissions from 2 submitters: Pathogenic (2). Last evaluated 2025-07-27.

Conditions:
Hereditary cancer-predisposing syndrome. Also called: Neoplastic Syndromes, Hereditary; Tumor predisposition; Hereditary Cancer Syndrome; Hereditary neoplastic syndrome. Identifiers: Orphanet 140162, MedGen C0027672, MeSH D009386, MONDO:0015356.

Submissions (2):

Labcorp Genetics (formerly Invitae), Labcorp
Classification: Pathogenic. Last evaluated: 2025-07-27. Review status: criteria provided, single submitter. Criteria: Invitae Variant Classification Sherloc (09022015). Collection method: clinical testing. Allele origin: germline.
Comment: This sequence change creates a premature translational stop signal (p.Glu59*) in the FH gene. It is expected to result in an absent or disrupted protein product. Loss-of-function variants in FH are known to be pathogenic (PMID: 11865300, 21398687). This variant is not present in population databases (gnomAD no frequency). This variant has not been reported in the literature in individuals affected with FH-related conditions. ClinVar contains an entry for this variant (Variation ID: 652242). For these reasons, this variant has been classified as Pathogenic.

Ambry Genetics
Classification: Pathogenic for Hereditary cancer-predisposing syndrome. Last evaluated: 2023-08-31. Review status: criteria provided, single submitter. Criteria: Ambry Variant Classification Scheme 2023. Collection method: clinical testing. Allele origin: germline.
Comment: The p.E59* pathogenic mutation (also known as c.175G>T), located in coding exon 2 of the FH gene, results from a G to T substitution at nucleotide position 175. This changes the amino acid from a glutamic acid to a stop codon within coding exon 2. This alteration is expected to result in loss of function by premature protein truncation or nonsense-mediated mRNA decay. As such, this alteration is interpreted as a disease-causing mutation.

Literature cited by the submitters: PubMed 11865300 (cited by Labcorp Genetics (formerly Invitae), Labcorp); PubMed 21398687 (cited by Labcorp Genetics (formerly Invitae), Labcorp).